The following is an entry in ClinVar:

NM_000059.4(BRCA2):c.3684delinsAA (p.Asn1228fs)

Gene: BRCA2 (BRCA2 DNA repair associated; plus strand). Cytogenetic location: 13q13.1.
Variant type: Indel.
Coding change: c.3684delinsAA on transcript NM_000059.4 (MANE Select); coding-DNA position 3684, T replaced by AA.
Protein change: p.Asn1228fs; shifts the reading frame from asparagine 1228.
Molecular consequence: frameshift variant. On other transcripts: non-coding transcript variant (1), intron variant (2).
Genome position (GRCh38, 1-based): chr13:32,338,039, T replaced by AA. VCF-style: chr13-32338039-T-AA. GRCh37 (hg19) VCF-style: chr13-32912176-T-AA.
Other names: c.3684delTinsAA, p.Asn1228Lysfs (NM_000059.3); c.3684delinsAA, p.Asn1228fs (NM_001406719.1, NM_001406720.1); c.1909+4652delinsAA (NM_001406721.1); c.425-6519delinsAA (NM_001406722.1); c.3684delinsAA (NM_000059.3); short protein forms N1228fs.
Identifiers: ClinVar variation 3226331 (VCV003226331.2), dbSNP rs2548526624, ClinGen allele CA2825002130.

ClinVar aggregate classification (germline): Pathogenic/Likely pathogenic. Review status: criteria provided, multiple submitters, no conflicts (2 of 4 stars). 2 submissions from 2 submitters: Pathogenic (1); Likely pathogenic (1). Last evaluated 2025-01-23.

Conditions:
Hereditary cancer-predisposing syndrome. Also called: Neoplastic Syndromes, Hereditary; Tumor predisposition; Hereditary neoplastic syndrome; Hereditary Cancer Syndrome. Identifiers: Orphanet 140162, MedGen C0027672, MeSH D009386, MONDO:0015356.

Submissions (2):

Quest Diagnostics Nichols Institute San Juan Capistrano
Classification: Likely pathogenic. Last evaluated: 2025-01-23. Review status: criteria provided, single submitter. Criteria: Quest Diagnostics criteria. Collection method: clinical testing. Allele origin: unknown.
Comment: The BRCA2 c.3684delinsAA (p.Asn1228Lysfs*5) variant alters the translational reading frame of the BRCA2 mRNA and is predicted to cause the premature termination of BRCA2 protein synthesis. This variant has not been reported in individuals with BRCA2-related conditions in the published literature. This variant has not been reported in large, multi-ethnic general populations (Genome Aggregation Database). Based on the available information, this variant is classified as likely pathogenic.

Ambry Genetics
Classification: Pathogenic for Hereditary cancer-predisposing syndrome. Last evaluated: 2024-02-21. Review status: criteria provided, single submitter. Criteria: Ambry Variant Classification Scheme 2023. Collection method: clinical testing. Allele origin: germline.
Comment: The c.3684delTinsAA pathogenic mutation, located in coding exon 10 of the BRCA2 gene, results from the deletion of one nucleotide and insertion of two nucleotides causing a translational frameshift with a predicted alternate stop codon (p.N1228Kfs*5). This variant is considered to be rare based on population cohorts in the Genome Aggregation Database (gnomAD). This alteration is expected to result in loss of function by premature protein truncation or nonsense-mediated mRNA decay. As such, this alteration is interpreted as a disease-causing mutation.